The following is an entry in ClinVar:

ClinVar aggregate classification (germline): Likely benign (1 of 4 stars; one submission).

Allele frequency attached by ClinVar (database versions not stated): gnomAD exomes 0.00001.
gnomAD v4.1: 4 of 1,211,566 alleles (0.00033%); highest among the groups gnomAD compares: Non-Finnish European, 0.00045%; no homozygotes.

Submission:

CeGaT Center for Human Genetics Tuebingen
Classification: Likely benign. Last evaluated: 2023-03-01. Review status: criteria provided, single submitter. Criteria: CeGaT Center For Human Genetics Tuebingen Variant Classification Criteria Version 2. Collection method: clinical testing. Allele origin: germline. Affected: yes. Observed: 1 variant allele.
Comment: ZMYM3: PM2:Supporting, BP4, BP7

NM_201599.3(ZMYM3):c.3348C>G (p.Ala1116=)

Gene: ZMYM3 (zinc finger MYM-type containing 3; minus strand). Cytogenetic location: Xq13.1.
Variant type: single nucleotide variant.
Coding change: c.3348C>G on transcript NM_201599.3 (MANE Select); coding-DNA position 3348, C replaced by G.
Protein change: p.Ala1116=; no amino-acid change (alanine 1116 retained).
Molecular consequence: synonymous variant.
Genome position (GRCh38, 1-based): chrX:71,243,913, G>C on the plus strand (C>G on the coding strand, the complement: ZMYM3 is on the minus strand). VCF-style: chrX-71243913-G-C. GRCh37 (hg19) VCF-style: chrX-70463763-G-C.
Other names: c.3312C>G, p.Ala1104= (NM_001171162.1); c.3348C>G, p.Ala1116= (NM_005096.3).
Identifiers: ClinVar variation 2660861 (VCV002660861.24), dbSNP rs2519816006, ClinGen allele CA516713796.